The following is an entry in ClinVar:

ClinVar aggregate classification (germline): Pathogenic (1 of 4 stars; one submission).

Conditions:
Inborn genetic diseases. Identifiers: MedGen C0950123, MeSH D030342.

Submission:

Ambry Genetics
Classification: Pathogenic for Inborn genetic diseases. Last evaluated: 2025-03-31. Review status: criteria provided, single submitter. Criteria: Ambry Variant Classification Scheme 2023. Collection method: clinical testing. Allele origin: germline.
Comment: The c.1426C>T (p.Q476*) alteration, located in exon 20 (coding exon 19) of the DEPDC5 gene, consists of a C to T substitution at nucleotide position 1426. This changes the amino acid from a glutamine (Q) to a stop codon at amino acid position 476. This alteration is expected to result in loss of function by premature protein truncation or nonsense-mediated mRNA decay. This variant was not reported in population-based cohorts in the Genome Aggregation Database (gnomAD). Based on the available evidence, this alteration is classified as pathogenic.

NM_001242896.3(DEPDC5):c.1426C>T (p.Gln476Ter)

Gene: DEPDC5 (DEP domain containing 5, GATOR1 subcomplex subunit; plus strand). Cytogenetic location: 22q12.3.
Variant type: single nucleotide variant.
Coding change: c.1426C>T on transcript NM_001242896.3 (MANE Select); coding-DNA position 1426, C replaced by T.
Protein change: p.Gln476Ter; replaces glutamine 476 with a stop codon.
Molecular consequence: nonsense. On other transcripts: non-coding transcript variant (5).
Genome position (GRCh38, 1-based): chr22:31,810,622, C>T. VCF-style: chr22-31810622-C-T. GRCh37 (hg19) VCF-style: chr22-32206608-C-T.
Other names: c.1426C>T, p.Gln476Ter (NM_001007188.4, NM_001136029.4, NM_001242897.2 and 7 more transcripts); c.1342C>T, p.Gln448Ter (NM_001369901.1, NM_001369902.1); short protein forms Q448*, Q476*.
Identifiers: ClinVar variation 4010975 (VCV004010975.1).